The following is an entry in ClinVar:

NM_015443.4(KANSL1):c.2711A>C (p.Glu904Ala)

Gene: KANSL1 (KAT8 regulatory NSL complex subunit 1). Cytogenetic location: 17q21.31.
Variant type: single nucleotide variant.
Coding change: c.2711A>C on transcript NM_015443.4 (MANE Select); coding-DNA position 2711, A replaced by C.
Protein change: p.Glu904Ala; replaces glutamic acid 904 with alanine.
Molecular consequence: missense variant.
Genome position (GRCh38, 1-based): chr17:46,033,416, T>G on the plus strand (A>C on the coding strand, the complement: KANSL1 is on the minus strand). VCF-style: chr17-46033416-T-G. GRCh37 (hg19) VCF-style: chr17-44110782-T-G.
Other names: c.2708A>C, p.Glu903Ala (NM_001193465.2, NM_001405856.1, NM_001405857.1 and 1 more transcripts); c.2711A>C, p.Glu904Ala (NM_001193466.2, NM_001379198.1, NM_001405854.1 and 4 more transcripts); c.2609A>C, p.Glu870Ala (NM_001405859.1, NM_001405860.1); c.2606A>C, p.Glu869Ala (NM_001405861.1, NM_001405881.1); c.2522A>C, p.Glu841Ala (NM_001405875.1, NM_001405876.1, NM_001405877.1 and 1 more transcripts); c.2519A>C, p.Glu840Ala (NM_001405879.1, NM_001405880.1); c.1445A>C, p.Glu482Ala (NM_001405882.1); c.1442A>C, p.Glu481Ala (NM_001405883.1); and 2 more; short protein forms E870A, E418A, E481A, E869A, E840A, E841A, E903A, E904A.
Identifiers: ClinVar variation 4744763 (VCV004744763.1).

ClinVar aggregate classification (germline): Uncertain significance (1 of 4 stars; one submission).

Conditions:
Koolen-de Vries syndrome (KDVS). Identifiers: Orphanet 96169, MedGen C1864871, MONDO:0012496, OMIM 610443.

Submission:

Labcorp Genetics (formerly Invitae), Labcorp
Classification: Uncertain significance for Koolen-de Vries syndrome. Last evaluated: 2025-10-10. Review status: criteria provided, single submitter. Criteria: Invitae Variant Classification Sherloc (09022015). Collection method: clinical testing. Allele origin: germline.
Comment: This sequence change replaces glutamic acid, which is acidic and polar, with alanine, which is neutral and non-polar, at codon 904 of the KANSL1 protein (p.Glu904Ala). This variant is not present in population databases (gnomAD no frequency). This variant has not been reported in the literature in individuals affected with KANSL1-related conditions. Invitae Evidence Modeling of protein sequence and biophysical properties (such as structural, functional, and spatial information, amino acid conservation, physicochemical variation, residue mobility, and thermodynamic stability) indicates that this missense variant is not expected to disrupt KANSL1 protein function with a negative predictive value of 80%. In summary, the available evidence is currently insufficient to determine the role of this variant in disease. Therefore, it has been classified as a Variant of Uncertain Significance.